The following is an entry in ClinVar:

NM_152296.5(ATP1A3):c.2759A>C (p.Gln920Pro)

Gene: ATP1A3 (ATPase Na+/K+ transporting subunit alpha 3; minus strand). Cytogenetic location: 19q13.2.
Variant type: single nucleotide variant.
Coding change: c.2759A>C on transcript NM_152296.5 (MANE Select); coding-DNA position 2759, A replaced by C.
Protein change: p.Gln920Pro; replaces glutamine 920 with proline.
Molecular consequence: missense variant.
Genome position (GRCh38, 1-based): chr19:41,968,845, T>G on the plus strand (A>C on the coding strand, the complement: ATP1A3 is on the minus strand). VCF-style: chr19-41968845-T-G. GRCh37 (hg19) VCF-style: chr19-42472997-T-G.
Other names: c.2792A>C, p.Gln931Pro (NM_001256213.2); c.2798A>C, p.Gln933Pro (NM_001256214.2); short protein forms Q933P, Q931P, Q920P.
Identifiers: ClinVar variation 2049263 (VCV002049263.4), dbSNP rs2075071667, ClinGen allele CA406036056.

ClinVar aggregate classification (germline): Pathogenic (1 of 4 stars; one submission).

Conditions:
Dystonia 12 (DYT12). Also called: Rapid-Onset Dystonia-Parkinsonism (RDP); DYT-ATP1A3. Identifiers: Orphanet 71517, MedGen C1868681, MONDO:0007496, OMIM 128235.

Submission:

Labcorp Genetics (formerly Invitae), Labcorp
Classification: Pathogenic for Dystonia 12. Last evaluated: 2022-08-15. Review status: criteria provided, single submitter. Criteria: Invitae Variant Classification Sherloc (09022015). Collection method: clinical testing. Allele origin: germline.
Comment: For these reasons, this variant has been classified as Pathogenic. This sequence change replaces glutamine, which is neutral and polar, with proline, which is neutral and non-polar, at codon 920 of the ATP1A3 protein (p.Gln920Pro). This variant is not present in population databases (gnomAD no frequency). This missense change has been observed in individual(s) with clinical features of ATP1A3-related conditions (Invitae). In at least one individual the variant was observed to be de novo. Advanced modeling of protein sequence and biophysical properties (such as structural, functional, and spatial information, amino acid conservation, physicochemical variation, residue mobility, and thermodynamic stability) performed at Invitae indicates that this missense variant is expected to disrupt ATP1A3 protein function.